The following is an entry in ClinVar:

NM_013275.6(ANKRD11):c.7267A>T (p.Lys2423Ter)

Gene: ANKRD11 (ankyrin repeat domain 11; minus strand). Cytogenetic location: 16q24.3.
Variant type: single nucleotide variant.
Coding change: c.7267A>T on transcript NM_013275.6 (MANE Select); coding-DNA position 7267, A replaced by T.
Protein change: p.Lys2423Ter; replaces lysine 2423 with a stop codon.
Molecular consequence: nonsense.
Genome position (GRCh38, 1-based): chr16:89,279,275, T>A on the plus strand (A>T on the coding strand, the complement: ANKRD11 is on the minus strand). VCF-style: chr16-89279275-T-A. GRCh37 (hg19) VCF-style: chr16-89345683-T-A.
Other names: c.7267A>T, p.Lys2423Ter (NM_001256182.2, NM_001256183.2); short protein forms K2423*.
Identifiers: ClinVar variation 3062276 (VCV003062276.1), dbSNP rs1191286670, ClinGen allele CA397148741.
Genomic context (GRCh38, chr16:89,279,275, plus strand): 5'-GCAGGTATTCGAAGTAGGGGTTGGCCCTGTCGCTGTGGTAGGGCTCGATGGCATCCAGCT[T>A]GATGGCGTCCACGATGGCGGCCAGCGTCTGCTGGATCACCTCCCGCGTCTGCTGCGTGGA-3'

ClinVar aggregate classification (germline): Likely pathogenic (1 of 4 stars; one submission).

Conditions:
KBG syndrome (KBGS). Also called: ANKRD11-Related KBG Syndrome. Identifiers: Orphanet 2332, MedGen C0220687, MONDO:0007846, OMIM 148050.

Submission:

Molecular Genetics Department, Kulakov National Medical Research Center for Obstetrics, Gynecology and Perinatology
Classification: Likely pathogenic for KBG syndrome. Review status: criteria provided, single submitter. Criteria: ACMG Guidelines, 2015. Collection method: clinical testing. Allele origin: germline. Affected: yes.
Comment: A previously undescribed nucleotide variant creates a premature translation stop signal p.Lys2423Ter in the ANKRD11 gene. Loss-of-function variants are reported in patients with KBG syndrome (OMIM: 148050). The variant is not present in population database (gnomAD no frequency). In summary, the currently available evidence indicates that the variant is pathogenic, but additional data are needed to prove that conclusively. Therefore, this variant has been classified as likely pathogenic.